The following is an entry in ClinVar:

ClinVar aggregate classification (germline): Conflicting classifications of pathogenicity. Review status: criteria provided, conflicting classifications (1 of 4 stars). 3 submissions from 3 submitters: Uncertain significance (2); Likely benign (1). Last evaluated 2025-11-27.

Conditions:
Immunodeficiency 57. Also called: IMMUNODEFICIENCY 57 WITH AUTOINFLAMMATION. Identifiers: MedGen C4748212, MONDO:0020849, OMIM 618108.

Allele frequency attached by ClinVar (database versions not stated): gnomAD exomes 0.00002 and 0.00018; gnomAD 0.00005 and 0.00006; TOPMed 0.00009; ExAC 0.00020.
gnomAD v4.1: 40 of 1,613,924 alleles (0.0025%); highest among the groups gnomAD compares: East Asian, 0.085%; no homozygotes.

Submissions (3):

Labcorp Genetics (formerly Invitae), Labcorp
Classification: Likely benign. Last evaluated: 2025-11-27. Review status: criteria provided, single submitter. Criteria: Invitae Variant Classification Sherloc (09022015). Collection method: clinical testing. Allele origin: germline.

Blueprint Genetics
Classification: Uncertain significance. Last evaluated: 2024-10-10. Review status: criteria provided, single submitter. Criteria: ACMG Guidelines, 2015. Collection method: clinical testing. Allele origin: germline.

Baylor Genetics
Classification: Uncertain significance for Immunodeficiency 57. Last evaluated: 2019-01-24. Review status: criteria provided, single submitter. Criteria: ACMG Guidelines, 2015. Collection method: clinical testing. Allele origin: maternal. Affected: yes.
Comment: This variant was determined to be of uncertain significance according to ACMG Guidelines, 2015 [PMID:25741868].

NM_001354930.2(RIPK1):c.1194G>C (p.Gln398His)

Gene: RIPK1 (receptor interacting serine/threonine kinase 1; plus strand). Cytogenetic location: 6p25.2.
Variant type: single nucleotide variant.
Coding change: c.1194G>C on transcript NM_001354930.2 (MANE Select); coding-DNA position 1194, G replaced by C.
Protein change: p.Gln398His; replaces glutamine 398 with histidine.
Molecular consequence: missense variant.
Genome position (GRCh38, 1-based): chr6:3,105,669, G>C. VCF-style: chr6-3105669-G-C. GRCh37 (hg19) VCF-style: chr6-3105903-G-C.
Other names: c.705G>C, p.Gln235His (NM_001317061.3, NM_001354932.2, NM_001354933.2 and 1 more transcripts); c.1056G>C, p.Gln352His (NM_001354931.2); c.1194G>C, p.Gln398His (NM_003804.6); short protein forms Q235H, Q352H, Q398H.
Identifiers: ClinVar variation 1029752 (VCV001029752.9), dbSNP rs34457341, ClinGen allele CA3618395.